The following is an entry in ClinVar:

ClinVar aggregate classification (germline): Uncertain significance (1 of 4 stars; one submission).

Allele frequency attached by ClinVar (database versions not stated): TOPMed below 0.00001.
gnomAD v4.1: 1 of 1,613,182 alleles (0.000062%); highest among the groups gnomAD compares: East Asian, 0.0022%; no homozygotes.

Submission:

GeneDx
Classification: Uncertain significance. Last evaluated: 2020-12-15. Review status: criteria provided, single submitter. Criteria: GeneDx Variant Classification Process June 2021. Collection method: clinical testing. Allele origin: germline. Affected: yes.
Comment: Not observed at a significant frequency in large population cohorts (Lek et al., 2016); In silico analysis supports that this missense variant does not alter protein structure/function; Has not been previously published as pathogenic or benign to our knowledge

NM_144672.4(OTOA):c.327C>A (p.Asp109Glu)

Gene: OTOA (otoancorin). Cytogenetic location: 16p12.2.
Variant type: single nucleotide variant.
Coding change: c.327C>A on transcript NM_144672.4 (MANE Select); coding-DNA position 327, C replaced by A.
Protein change: p.Asp109Glu; replaces aspartic acid 109 with glutamic acid.
Molecular consequence: missense variant.
Genome position (GRCh38, 1-based): chr16:21,685,289, C>A. VCF-style: chr16-21685289-C-A. GRCh37 (hg19) VCF-style: chr16-21696610-C-A.
Other names: c.90C>A, p.Asp30Glu (NM_001161683.2); short protein forms D109E, D30E.
Identifiers: ClinVar variation 1312586 (VCV001312586.2), dbSNP rs1184358879, ClinGen allele CA395053551.